The following is an entry in ClinVar:

ClinVar aggregate classification (germline): Likely benign. Review status: criteria provided, multiple submitters, no conflicts (2 of 4 stars). 4 submissions from 4 submitters: Likely benign (3). 1 of the submissions does not count toward it. Last evaluated 2025-12-30.

Conditions:
Hereditary spastic paraplegia 63. Also called: Spastic paraplegia 63, autosomal recessive. Identifiers: Orphanet 401805, MedGen C3810295, MONDO:0014305, OMIM 615686.
Pontocerebellar hypoplasia type 9. Identifiers: Orphanet 369920, MedGen C4014354, MONDO:0014351, OMIM 615809.
AMPD2-related disorder. Also called: AMPD2-related condition.

Allele frequency attached by ClinVar (database versions not stated): TOPMed 0.00003; gnomAD exomes 0.00006 and 0.00007; ExAC 0.00008; ESP Exome Variant Server 0.00008; gnomAD 0.00008 and 0.00009; 1000 Genomes Project 30x 0.00016; 1000 Genomes Project 0.00020.

Submissions (4):

Labcorp Genetics (formerly Invitae), Labcorp
Classification: Likely benign for Pontocerebellar hypoplasia type 9; Hereditary spastic paraplegia 63. Last evaluated: 2025-12-30. Review status: criteria provided, single submitter. Criteria: Invitae Variant Classification Sherloc (09022015). Collection method: clinical testing. Allele origin: germline.

CeGaT Center for Human Genetics Tuebingen
Classification: Likely benign. Last evaluated: 2024-09-01. Review status: criteria provided, single submitter. Criteria: CeGaT Center For Human Genetics Tuebingen Variant Classification Criteria Version 2. Collection method: clinical testing. Allele origin: germline. Affected: yes. Observed: 2 variant alleles.
Comment: AMPD2: BP4, BP7

Breakthrough Genomics
Classification: Likely benign. Review status: criteria provided, single submitter. Criteria: ACMG Guidelines, 2015. Collection method: not provided. Allele origin: germline. Inheritance: Autosomal recessive inheritance. Affected: yes.

PreventionGenetics, part of Exact Sciences
Classification: Likely benign for AMPD2-related condition. Last evaluated: 2019-11-21. Review status: no assertion criteria provided. Collection method: clinical testing. Allele origin: germline. Not counted in ClinVar's aggregate classification.
Comment: This variant is classified as likely benign based on ACMG/AMP sequence variant interpretation guidelines (Richards et al. 2015 PMID: 25741868, with internal and published modifications).

NM_001368809.2(AMPD2):c.726G>A (p.Pro242=)

Gene: AMPD2 (adenosine monophosphate deaminase 2; plus strand). Cytogenetic location: 1p13.3.
Variant type: single nucleotide variant.
Coding change: c.726G>A on transcript NM_001368809.2 (MANE Select); coding-DNA position 726, G replaced by A.
Protein change: p.Pro242=; no amino-acid change (proline 242 retained).
Molecular consequence: synonymous variant.
Genome position (GRCh38, 1-based): chr1:109,627,182, G>A. VCF-style: chr1-109627182-G-A. GRCh37 (hg19) VCF-style: chr1-110169804-G-A.
Other names: c.888G>A (NM_001257360.1); c.534G>A, p.Pro178= (NM_001257361.2); c.663G>A, p.Pro221= (NM_001308170.1); c.726G>A, p.Pro242= (NM_004037.9); c.645G>A, p.Pro215= (NM_139156.4).
Identifiers: ClinVar variation 1531340 (VCV001531340.32), dbSNP rs199980707, ClinGen allele CA992900.